The following is an entry in ClinVar:

ClinVar aggregate classification (germline): Conflicting classifications of pathogenicity. Review status: criteria provided, conflicting classifications (1 of 4 stars). 2 submissions from 2 submitters: Likely pathogenic (1); Likely benign (1). Last evaluated 2026-01-23.

Conditions:
Spermatogenic failure 27. Identifiers: MedGen C4693784, MONDO:0054731, OMIM 617965.

Allele frequency attached by ClinVar (database versions not stated): 1000 Genomes Project 30x 0.00109; gnomAD 0.00136 and 0.00143; 1000 Genomes Project 0.00140; gnomAD exomes 0.00146; ESP Exome Variant Server 0.00154; TOPMed 0.00166; ExAC 0.00168.
gnomAD v4.1: 3,665 of 1,614,046 alleles (0.23%); highest among the groups gnomAD compares: Non-Finnish European, 0.29%; 7 homozygotes.

Submissions (2):

Labcorp Genetics (formerly Invitae), Labcorp
Classification: Likely benign. Last evaluated: 2026-01-23. Review status: criteria provided, single submitter. Criteria: Invitae Variant Classification Sherloc (09022015). Collection method: clinical testing. Allele origin: germline.

SIB Swiss Institute of Bioinformatics
Classification: Likely pathogenic for Spermatogenic failure 27. Last evaluated: 2018-10-15. Review status: criteria provided, single submitter. Criteria: ACMG Guidelines, 2015. Collection method: curation. Allele origin: unknown.
Comment: This variant is interpreted as Likely Pathogenic, for Spermatogenic failure 27, autosomal recessive. The following ACMG Tag(s) were applied: PP3 => Multiple lines of computational evidence support a deleterious effect on the gene or gene product. PS3 => Well-established functional studies show a deleterious effect (PubMed 29365104). PM1-Supporting => PM1 downgraded in strength to Supporting. PM2-Supporting => PM2 downgraded in strength to Supporting.

Literature cited by the submitters: PubMed 29365104 (cited by SIB Swiss Institute of Bioinformatics).

NM_152327.5(AK7):c.2018T>C (p.Leu673Pro)

Gene: AK7 (adenylate kinase 7; plus strand). Cytogenetic location: 14q32.2.
Variant type: single nucleotide variant.
Coding change: c.2018T>C on transcript NM_152327.5 (MANE Select); coding-DNA position 2018, T replaced by C.
Protein change: p.Leu673Pro; replaces leucine 673 with proline.
Molecular consequence: missense variant.
Genome position (GRCh38, 1-based): chr14:96,486,941, T>C. VCF-style: chr14-96486941-T-C. GRCh37 (hg19) VCF-style: chr14-96953278-T-C.
Other names: c.1949T>C, p.Leu650Pro (NM_001350888.2, NM_001350890.2); c.1940T>C, p.Leu647Pro (NM_001350891.2); c.1820T>C, p.Leu607Pro (NM_001350892.2); short protein forms L673P, L607P, L650P, L647P.
Identifiers: ClinVar variation 617939 (VCV000617939.9), dbSNP rs116298211, ClinGen allele CA7338036.